The following is an entry in ClinVar:

NM_130837.3(OPA1):c.1294G>T (p.Val432Phe)

Gene: OPA1 (OPA1 mitochondrial dynamin like GTPase; plus strand). Cytogenetic location: 3q29.
Variant type: single nucleotide variant.
Coding change: c.1294G>T on transcript NM_130837.3 (MANE Select); coding-DNA position 1294, G replaced by T.
Protein change: p.Val432Phe; replaces valine 432 with phenylalanine.
Molecular consequence: missense variant.
Genome position (GRCh38, 1-based): chr3:193,643,038, G>T. VCF-style: chr3-193643038-G-T. GRCh37 (hg19) VCF-style: chr3-193360827-G-T.
Other names: c.760G>T, p.Val254Phe (NM_001354663.2); c.757G>T, p.Val253Phe (NM_001354664.2); c.1129G>T, p.Val377Phe (NM_015560.3); c.1021G>T, p.Val341Phe (NM_130831.3); c.1075G>T, p.Val359Phe (NM_130832.3); c.1132G>T, p.Val378Phe (NM_130833.3); c.1183G>T, p.Val395Phe (NM_130834.3); c.1186G>T, p.Val396Phe (NM_130835.3); and 1 more; short protein forms V253F, V254F, V341F, V396F, V414F, V377F, V432F, V359F.
Identifiers: ClinVar variation 1499027 (VCV001499027.6), dbSNP rs780922750, ClinGen allele CA355789107.

ClinVar aggregate classification (germline): Uncertain significance (1 of 4 stars; one submission).

gnomAD v4.1: 1 of 1,611,390 alleles (0.000062%); no homozygotes.

Submission:

Labcorp Genetics (formerly Invitae), Labcorp
Classification: Uncertain significance. Last evaluated: 2021-09-24. Review status: criteria provided, single submitter. Criteria: Invitae Variant Classification Sherloc (09022015). Collection method: clinical testing. Allele origin: germline.
Comment: In summary, the available evidence is currently insufficient to determine the role of this variant in disease. Therefore, it has been classified as a Variant of Uncertain Significance. Advanced modeling of protein sequence and biophysical properties (such as structural, functional, and spatial information, amino acid conservation, physicochemical variation, residue mobility, and thermodynamic stability) performed at Invitae indicates that this missense variant is expected to disrupt OPA1 protein function. This variant has not been reported in the literature in individuals affected with OPA1-related conditions. This variant is not present in population databases (ExAC no frequency). This sequence change replaces valine with phenylalanine at codon 377 of the OPA1 protein (p.Val377Phe). The valine residue is highly conserved and there is a small physicochemical difference between valine and phenylalanine.